The following is an entry in ClinVar:

ClinVar aggregate classification (germline): Uncertain significance. Review status: criteria provided, multiple submitters, no conflicts (2 of 4 stars). 2 submissions from 2 submitters: Uncertain significance (2). Last evaluated 2025-12-26.

Conditions:
SKI-related disorder. Also called: SKI-related condition.
Shprintzen-Goldberg syndrome (SGS). Also called: SHPRINTZEN-GOLDBERG CRANIOSYNOSTOSIS SYNDROME; CRANIOSYNOSTOSIS WITH ARACHNODACTYLY AND ABDOMINAL HERNIAS; Marfanoid disorder with craniosynostosis type 1; Marfanoid craniosynostosis syndrome; Shprintzen-Goldberg marfanoid syndrome. Identifiers: Orphanet 2462, MedGen C1321551, MONDO:0008426, OMIM 182212.

Allele frequency attached by ClinVar (database versions not stated): gnomAD exomes below 0.00001; gnomAD 0.00001.
gnomAD v4.1: 2 of 1,514,012 alleles (0.00013%); highest among the groups gnomAD compares: Non-Finnish European, 0.00018%; no homozygotes.

Submissions (2):

Labcorp Genetics (formerly Invitae), Labcorp
Classification: Uncertain significance for Shprintzen-Goldberg syndrome. Last evaluated: 2025-12-26. Review status: criteria provided, single submitter. Criteria: Invitae Variant Classification Sherloc (09022015). Collection method: clinical testing. Allele origin: germline.
Comment: This sequence change replaces proline, which is neutral and non-polar, with alanine, which is neutral and non-polar, at codon 728 of the SKI protein (p.Pro728Ala). This variant is not present in population databases (gnomAD no frequency). This variant has not been reported in the literature in individuals affected with SKI-related conditions. ClinVar contains an entry for this variant (Variation ID: 2634279). Invitae Evidence Modeling of protein sequence and biophysical properties (such as structural, functional, and spatial information, amino acid conservation, physicochemical variation, residue mobility, and thermodynamic stability) indicates that this missense variant is not expected to disrupt SKI protein function with a negative predictive value of 95%. In summary, the available evidence is currently insufficient to determine the role of this variant in disease. Therefore, it has been classified as a Variant of Uncertain Significance.

PreventionGenetics, part of Exact Sciences
Classification: Uncertain significance for SKI-related condition. Last evaluated: 2023-10-02. Review status: criteria provided, single submitter. Criteria: ACMG Guidelines, 2015. Collection method: clinical testing. Allele origin: germline.
Comment: The SKI c.2182C>G variant is predicted to result in the amino acid substitution p.Pro728Ala. To our knowledge, this variant has not been reported in the literature. This variant is reported in 0.0017% of alleles in individuals of European (Non-Finnish) descent in gnomAD. At this time, the clinical significance of this variant is uncertain due to the absence of conclusive functional and genetic evidence.

NM_003036.4(SKI):c.2182C>G (p.Pro728Ala)

Gene: SKI (SKI proto-oncogene; plus strand). Cytogenetic location: 1p36.32.
Variant type: single nucleotide variant.
Coding change: c.2182C>G on transcript NM_003036.4 (MANE Select); coding-DNA position 2182, C replaced by G.
Protein change: p.Pro728Ala; replaces proline 728 with alanine.
Molecular consequence: missense variant.
Genome position (GRCh38, 1-based): chr1:2,306,760, C>G. VCF-style: chr1-2306760-C-G. GRCh37 (hg19) VCF-style: chr1-2238199-C-G.
Other names: short protein forms P728A.
Identifiers: ClinVar variation 2634279 (VCV002634279.4), dbSNP rs1292299989, ClinGen allele CA337959918.